The following is an entry in ClinVar:

NM_000891.3(KCNJ2):c.200G>A (p.Arg67Gln)

Gene: KCNJ2 (potassium inwardly rectifying channel subfamily J member 2; plus strand). Cytogenetic location: 17q24.3.
Variant type: single nucleotide variant.
Coding change: c.200G>A on transcript NM_000891.3 (MANE Select); coding-DNA position 200, G replaced by A.
Protein change: p.Arg67Gln; replaces arginine 67 with glutamine.
Molecular consequence: missense variant.
Genome position (GRCh38, 1-based): chr17:70,175,239, G>A. VCF-style: chr17-70175239-G-A. GRCh37 (hg19) VCF-style: chr17-68171380-G-A.
Other names: p.R67Q:CGG>CAG; c.200G>A (LRG_328t1); short protein forms R67Q.
Identifiers: ClinVar variation 67560 (VCV000067560.12), dbSNP rs199473368, ClinGen allele CA302017.

ClinVar aggregate classification (germline): Pathogenic/Likely pathogenic. Review status: criteria provided, multiple submitters, no conflicts (2 of 4 stars). 6 submissions from 6 submitters: Pathogenic (1); Likely pathogenic (3). 2 of the submissions do not count toward it. Last evaluated 2019-05-22.

Conditions:
Familial long QT syndrome (RWS). Also called: Congenital long QT syndrome; Romano-Ward syndrome; VENTRICULAR FIBRILLATION WITH PROLONGED QT INTERVAL. Identifiers: Orphanet 768, MedGen C1141890, MONDO:0019171.
Andersen Tawil syndrome (LQT7). Also called: ANDERSEN CARDIODYSRHYTHMIC PERIODIC PARALYSIS; Andersen Syndrome; Potassium-sensitive periodic paralysis, ventricular ectopy, and dysmorphic features; LONG QT SYNDROME 7; PERIODIC PARALYSIS, POTASSIUM-SENSITIVE CARDIODYSRHYTHMIC TYPE. Identifiers: Orphanet 37553, MedGen C1563715, MONDO:0008222, OMIM 170390.
Short QT syndrome type 3. Identifiers: Orphanet 51083, MedGen C1865018, MONDO:0012314, OMIM 609622.

Allele frequency attached by ClinVar (database versions not stated): ExAC 0.00001; TOPMed 0.00001.

Submissions (6):

Labcorp Genetics (formerly Invitae), Labcorp
Classification: Likely pathogenic for Short QT syndrome type 3; Andersen Tawil syndrome. Last evaluated: 2019-05-22. Review status: criteria provided, single submitter. Criteria: Invitae Variant Classification Sherloc (09022015). Collection method: clinical testing. Allele origin: germline.
Comment: In summary, the currently available evidence indicates that the variant is pathogenic, but additional data are needed to prove that conclusively. Therefore, this variant has been classified as Likely Pathogenic. This variant is present in population databases (rs199473368, ExAC 0.01%). This sequence change replaces arginine with glutamine at codon 67 of the KCNJ2 protein (p.Arg67Gln). The arginine residue is highly conserved and there is a small physicochemical difference between arginine and glutamine. This variant has been observed in individuals affected with Andersen-Tawil syndrome, catecholaminergic polymorphic ventricular tachycardia, and clinical features of long QT syndrome (PMID: 17221872, 17341397, 22589293, 24561538). ClinVar contains an entry for this variant (Variation ID: 67560). This variant has been reported to affect KCNJ2 protein function (PMID: 12086641, 17221872, 17341397, 24561538). This variant disrupts the p.Arg67 amino acid residue in KCNJ2. Other variant(s) that disrupt this residue have been determined to be pathogenic (PMID: 12148092, 12796536, 17221872, 22589293, 22806368, 23867365). This suggests that this residue is clinically significant, and that variants that disrupt this residue are likely to be disease-causing.

Laboratory for Molecular Medicine, Mass General Brigham Personalized Medicine
Classification: Likely pathogenic for Andersen Tawil syndrome. Last evaluated: 2019-03-21. Review status: criteria provided, single submitter. Criteria: ACMG Guidelines, 2015. Collection method: clinical testing. Allele origin: germline. Inheritance: Autosomal dominant inheritance.
Comment: The p.Arg67Gln variant in KCNJ2 has been reported in 1 individual with Andersen-Tawil syndrome (ATS), 1 individual with a CPVT-like presentation, and 1 individual who was clinically unaffected but had polymorphic PVCs non-specific inferior lateral T-Wave changes (Eckhardt 2007, Haruna 2007, Kimura 2012, Kalscheur 2014). It was absent from large population studies. In vitro functional studies predict a possible loss of function impact (Eckhardt 2007, Kalscheur 2014) and computational prediction tools are consistent with pathogenicity. Heterozygous knock-in mice exhibit ventricular tachycardia after epinephrine and caffeine exposure (Reilly 2018). In addition, another pathogenic variant at this position, p.R67W, has been identified in several individuals with features of ATS. In summary, although additional studies are required to fully establish its clinical significance, this variant meets criteria to be classified as likely pathogenic for autosomal dominant ATS. ACMG/AMP criteria applied: PM2, PM5, PS3_Moderate, PP3, PS4_Supporting.

GeneDx
Classification: Pathogenic. Last evaluated: 2015-05-28. Review status: criteria provided, single submitter. Criteria: GeneDx Variant Classification (06012015). Collection method: clinical testing. Allele origin: germline. Affected: yes.
Comment: p.Arg67Gln (CGG>CAG): c.200 G>A in exon 2 of the KCNJ2 gene (NM_000891.2). The R67Q mutation in the KCNJ2 gene has been reported in association with arrhythmia and ATS (Eckhardt L et al., 2007; Haruna Y et al., 2007; Kimura H et al., 2012; Kalscheur M et al., 2014). This patient did not have facial/skeletal features or periodic paralysis seen in ATS patients. Kimura et al. (2012) reported one patient with an atypical ATS phenotype. In vitro studies demonstrated that the presence of this mutation renders KCNJ2 channels non-functional (Eckhardt L et al., 2007; Haruna Y et al., 2007; Kalscheur M et al., 2014). Other missense mutations affecting the same residue (R67W) or a nearby residues (Y68D, D71N, D71Y, D71V) also have been reported in association with KCNJ2-related arrhythmia, further supporting the functional importance of this residue and region of the protein. Furthermore, R67Q was not observed in approximately 6,500 individuals of European and African American ancestry in the NHLBI Exome Sequencing Project, indicating it is not a common benign variant in these populations. In summary, R67Q in the KCNJ2 gene is interpreted as a disease-causing mutation. The variant is found in CPVT,LQT panel(s).

Institute for Medical Genetics and Human Genetics, Charité - Universitätsmedizin Berlin
Classification: Likely pathogenic. Review status: criteria provided, single submitter. Criteria: ACMG Guidelines, 2015. Collection method: not provided. Allele origin: germline. Affected: yes.

Clinical Molecular Genetics Laboratory, Johns Hopkins All Children's Hospital
Classification: Pathogenic. Last evaluated: 2016-02-29. Review status: no assertion criteria provided. Collection method: clinical testing. Allele origin: germline. Affected: yes. Not counted in ClinVar's aggregate classification.

Cardiovascular Biomedical Research Unit, Royal Brompton & Harefield NHS Foundation Trust
No classification provided. Condition: Familial long QT syndrome. Review status: no classification provided. Collection method: literature only. Allele origin: germline. Not counted in ClinVar's aggregate classification.
Comment: This variant has been reported in the following publications (PMID:17221872;PMID:17341397).

Literature cited by the submitters: PubMed 17221872 (cited by 3 submitters); PubMed 17341397 (cited by 3 submitters); PubMed 22589293 (cited by Labcorp Genetics (formerly Invitae), Labcorp and Laboratory for Molecular Medicine, Mass General Brigham Personalized Medicine); PubMed 24561538 (cited by Labcorp Genetics (formerly Invitae), Labcorp and Laboratory for Molecular Medicine, Mass General Brigham Personalized Medicine); PubMed 12086641 (cited by Labcorp Genetics (formerly Invitae), Labcorp); PubMed 12148092 (cited by Labcorp Genetics (formerly Invitae), Labcorp); PubMed 12796536 (cited by Labcorp Genetics (formerly Invitae), Labcorp); PubMed 22806368 (cited by Labcorp Genetics (formerly Invitae), Labcorp); PubMed 23867365 (cited by Labcorp Genetics (formerly Invitae), Labcorp); PubMed 22581653 (cited by Cardiovascular Biomedical Research Unit, Royal Brompton & Harefield NHS Foundation Trust).